The following is an entry in ClinVar:

NM_004423.4(DVL3):c.152A>G (p.Asp51Gly)

Gene: DVL3 (dishevelled segment polarity protein 3; plus strand). Cytogenetic location: 3q27.1.
Variant type: single nucleotide variant.
Coding change: c.152A>G on transcript NM_004423.4 (MANE Select); coding-DNA position 152, A replaced by G.
Protein change: p.Asp51Gly; replaces aspartic acid 51 with glycine.
Molecular consequence: missense variant.
Genome position (GRCh38, 1-based): chr3:184,155,787, A>G. VCF-style: chr3-184155787-A-G. GRCh37 (hg19) VCF-style: chr3-183873575-A-G.
Other names: short protein forms D51G.
Identifiers: ClinVar variation 2877461 (VCV002877461.3), dbSNP rs2473687509, ClinGen allele CA355400562.

ClinVar aggregate classification (germline): Uncertain significance (1 of 4 stars; one submission).

Submission:

Labcorp Genetics (formerly Invitae), Labcorp
Classification: Uncertain significance. Last evaluated: 2023-07-16. Review status: criteria provided, single submitter. Criteria: Invitae Variant Classification Sherloc (09022015). Collection method: clinical testing. Allele origin: germline.
Comment: This variant is not present in population databases (gnomAD no frequency). This variant has not been reported in the literature in individuals affected with DVL3-related conditions. This sequence change replaces aspartic acid, which is acidic and polar, with glycine, which is neutral and non-polar, at codon 51 of the DVL3 protein (p.Asp51Gly). Advanced modeling of protein sequence and biophysical properties (such as structural, functional, and spatial information, amino acid conservation, physicochemical variation, residue mobility, and thermodynamic stability) performed at Invitae indicates that this missense variant is not expected to disrupt DVL3 protein function. In summary, the available evidence is currently insufficient to determine the role of this variant in disease. Therefore, it has been classified as a Variant of Uncertain Significance.